The following is an entry in ClinVar:

NM_000548.5(TSC2):c.2546-10A>G

Gene: TSC2 (TSC complex subunit 2; plus strand). Cytogenetic location: 16p13.3.
Variant type: single nucleotide variant.
Coding change: c.2546-10A>G on transcript NM_000548.5 (MANE Select); 10 bases into the intron before coding-DNA position 2546, A replaced by G.
Molecular consequence: intron variant.
Genome position (GRCh38, 1-based): chr16:2,075,789, A>G. VCF-style: chr16-2075789-A-G. GRCh37 (hg19) VCF-style: chr16-2125790-A-G.
Other names: c.2546-10A>G (NM_000548.4, NM_001114382.3, NM_021055.3 and 4 more transcripts); c.2435-10A>G (NM_001318827.2); c.1946-10A>G (NM_001318831.2); c.2399-10A>G (NM_001318829.2); c.2579-10A>G (NM_001318832.2).
Identifiers: ClinVar variation 237995 (VCV000237995.17), dbSNP rs551894111, ClinGen allele CA039675.

ClinVar aggregate classification (germline): Benign/Likely benign. Review status: criteria provided, multiple submitters, no conflicts (2 of 4 stars). 8 submissions from 8 submitters: Benign (6); Likely benign (2). Last evaluated 2026-06-12.

Conditions:
TSC2-related disorder. Also called: TSC2-related condition; TSC2-Related Disorders.
Tuberous sclerosis syndrome (TSC). Also called: Tuberous sclerosis; Tuberous Sclerosis Complex. Identifiers: Orphanet 805, MedGen C0041341, MONDO:0001734.
Tuberous sclerosis 2 (TSC2). Identifiers: Orphanet 805, MedGen C1860707, MONDO:0013199, OMIM 613254.

Allele frequency attached by ClinVar (database versions not stated): TOPMed below 0.00001; gnomAD 0.00001; gnomAD exomes 0.00003 and 0.00009; ExAC 0.00007.
gnomAD v4.1: 53 of 1,611,920 alleles (0.0033%); highest among the groups gnomAD compares: South Asian, 0.052%; no homozygotes.

Submissions (8):

PreventionGenetics, part of Exact Sciences
Classification: Likely benign for TSC2-related condition. Last evaluated: 2026-06-12. Review status: criteria provided, single submitter. Criteria: ACMG Guidelines, 2015. Collection method: clinical testing. Allele origin: germline.
Comment: This variant is classified as likely benign based on ACMG/AMP sequence variant interpretation guidelines (Richards et al. 2015 PMID: 25741868, with internal and published modifications).

Labcorp Genetics (formerly Invitae), Labcorp
Classification: Benign for Tuberous sclerosis 2. Last evaluated: 2026-02-02. Review status: criteria provided, single submitter. Criteria: Invitae Variant Classification Sherloc (09022015). Collection method: clinical testing. Allele origin: germline.

KCCC/NGS Laboratory, Kuwait Cancer Control Center
Classification: Benign for Tuberous sclerosis 2. Last evaluated: 2025-02-01. Review status: criteria provided, single submitter. Criteria: ACMG Guidelines, 2015. Collection method: clinical testing. Allele origin: germline. Affected: no.

Myriad Genetics, Inc.
Classification: Benign for Tuberous sclerosis 2. Last evaluated: 2024-09-09. Review status: criteria provided, single submitter. Criteria: Myriad Autosomal Dominant, Autosomal Recessive and X-Linked Classification Criteria (2023). Collection method: clinical testing. Allele origin: unknown.
Comment: This variant is considered benign. This variant is intronic and is not expected to impact mRNA splicing. This variant has been observed at a population frequency that is significantly greater than expected given the associated disease prevalence and penetrance.

All of Us Research Program, National Institutes of Health
Classification: Benign for Tuberous sclerosis syndrome. Last evaluated: 2023-12-18. Review status: criteria provided, single submitter. Criteria: ACMG Guidelines, 2015. Collection method: clinical testing. Allele origin: germline. Inheritance: Autosomal dominant inheritance. Observed: 6 variant alleles, 6 heterozygotes.
Comment: This study involves interpretation of variants in research participants for the purpose of population health screening. Participant phenotype was not available at the time of variant classification. Additional details can be found in publication PMID: 35346344, PMCID: PMC8962531

Color Diagnostics, LLC DBA Color Health
Classification: Benign for Tuberous sclerosis syndrome. Last evaluated: 2022-11-22. Review status: criteria provided, single submitter. Criteria: ACMG Guidelines, 2015. Collection method: clinical testing. Allele origin: germline.

Genome-Nilou Lab
Classification: Benign for Tuberous sclerosis 2. Last evaluated: 2021-11-07. Review status: criteria provided, single submitter. Criteria: ACMG Guidelines, 2015. Collection method: clinical testing. Allele origin: germline. Affected: no.

GeneDx
Classification: Likely benign. Last evaluated: 2018-03-20. Review status: criteria provided, single submitter. Criteria: GeneDx Variant Classification (06012015). Collection method: clinical testing. Allele origin: germline. Affected: yes.
Comment: This variant is considered likely benign or benign based on one or more of the following criteria: it is a conservative change, it occurs at a poorly conserved position in the protein, it is predicted to be benign by multiple in silico algorithms, and/or has population frequency not consistent with disease.